The following is an entry in ClinVar:

ClinVar aggregate classification (germline): Uncertain significance (1 of 4 stars; one submission).

Conditions:
Cognitive impairment - coarse facies - heart defects - obesity - pulmonary involvement - short stature - skeletal dysplasia syndrome. Also called: Chops syndrome; COGNITIVE IMPAIRMENT, COARSE FACIES, HEART DEFECTS, OBESITY, PULMONARY INVOLVEMENT, SHORT STATURE, AND SKELETAL DYSPLASIA; AFF4-Related CHOPS Syndrome. Identifiers: Orphanet 444077, MedGen C4085597, MONDO:0014609, OMIM 616368.

gnomAD v4.1: 1 of 1,614,064 alleles (0.000062%); no homozygotes.

Submission:

Labcorp Genetics (formerly Invitae), Labcorp
Classification: Uncertain significance for Cognitive impairment - coarse facies - heart defects - obesity - pulmonary involvement - short stature - skeletal dysplasia syndrome. Last evaluated: 2024-01-13. Review status: criteria provided, single submitter. Criteria: Invitae Variant Classification Sherloc (09022015). Collection method: clinical testing. Allele origin: germline.
Comment: This sequence change replaces lysine, which is basic and polar, with asparagine, which is neutral and polar, at codon 849 of the AFF4 protein (p.Lys849Asn). This variant is not present in population databases (gnomAD no frequency). This variant has not been reported in the literature in individuals affected with AFF4-related conditions. An algorithm developed to predict the effect of missense changes on protein structure and function (PolyPhen-2) suggests that this variant is likely to be disruptive. In summary, the available evidence is currently insufficient to determine the role of this variant in disease. Therefore, it has been classified as a Variant of Uncertain Significance.

NM_014423.4(AFF4):c.2547G>C (p.Lys849Asn)

Gene: AFF4 (ALF transcription elongation factor 4; minus strand). Cytogenetic location: 5q31.1.
Variant type: single nucleotide variant.
Coding change: c.2547G>C on transcript NM_014423.4 (MANE Select); coding-DNA position 2547, G replaced by C.
Protein change: p.Lys849Asn; replaces lysine 849 with asparagine.
Molecular consequence: missense variant.
Genome position (GRCh38, 1-based): chr5:132,892,254, C>G on the plus strand (G>C on the coding strand, the complement: AFF4 is on the minus strand). VCF-style: chr5-132892254-C-G. GRCh37 (hg19) VCF-style: chr5-132227946-C-G.
Other names: short protein forms K849N.
Identifiers: ClinVar variation 3018583 (VCV003018583.3), dbSNP rs2532458774, ClinGen allele CA360928882.
Genomic context (GRCh38, chr5:132,892,254, plus strand): 5'-CCCTTCGGTCTTCTTCTGCTTTGATGTGGAGGAACTGTTTTTGCTGCTGCCACTCGTCTC[C>G]TTGTTGCTGTTACTGCTTGACTTTAAGGAAGAAGACTGACTAATAGTCCTCTTCCGAGAG-3'
Protein context (NP_055238.1, residues 839-859): SSLKSSSNSN[Lys849Asn]ETSGSSKNSS